The following is an entry in ClinVar:

ClinVar aggregate classification (germline): Likely benign (1 of 4 stars; one submission).

Conditions:
Global developmental delay with or without impaired intellectual development. Identifiers: MedGen C5193032, MONDO:0032680, OMIM 618330.

Submission:

Centre for Medical Genetics,  Mumbai
Classification: Likely benign for Global developmental delay with or without impaired intellectual development. Last evaluated: 2026-03-04. Review status: criteria provided, single submitter. Criteria: ACMG Guidelines, 2015. Collection method: provider interpretation. Allele origin: germline. Inheritance: Autosomal dominant inheritance. Affected: no. Observed: 1 variant allele, 1 heterozygote.
Comment: The variant satisfies PM2 criteria; Extremely low frequency in gnomAD population databases. The variant satisfies PP2 criteria; Missense variant in a gene with low rate of benign missense mutations and for which missense mutation is a common mechanism of a disease. However, the variant satisfies BS2 criteria.

Literature cited by the submitters: PubMed 30014507.

NM_181552.4(CUX1):c.4382G>A (p.Gly1461Asp)

Gene: CUX1 (cut like homeobox 1; plus strand). Cytogenetic location: 7q22.1.
Variant type: single nucleotide variant.
Coding change: c.4382G>A on transcript NM_181552.4 (MANE Select); coding-DNA position 4382, G replaced by A.
Protein change: p.Gly1461Asp; replaces glycine 1461 with aspartic acid.
Molecular consequence: missense variant. On other transcripts: intron variant (5).
Genome position (GRCh38, 1-based): chr7:102,248,906, G>A. VCF-style: chr7-102248906-G-A. GRCh37 (hg19) VCF-style: chr7-101892186-G-A.
Other names: c.4415G>A, p.Gly1472Asp (NM_001202543.2); c.1256-24460G>A (NM_001913.5); c.1250-24460G>A (NM_181500.4); c.1118-24460G>A (NM_001202545.3); c.1208-24460G>A (NM_001202544.3); c.1139-24460G>A (NM_001202546.3); short protein forms G1461D, G1472D.
Identifiers: ClinVar variation 4814171 (VCV004814171.1).